The following is an entry in ClinVar:

NM_001111.5(ADAR):c.1313A>G (p.Tyr438Cys)

Gene: ADAR (adenosine deaminase RNA specific; minus strand). Cytogenetic location: 1q21.3.
Variant type: single nucleotide variant.
Coding change: c.1313A>G on transcript NM_001111.5 (MANE Select); coding-DNA position 1313, A replaced by G.
Protein change: p.Tyr438Cys; replaces tyrosine 438 with cysteine.
Molecular consequence: missense variant.
Genome position (GRCh38, 1-based): chr1:154,601,329, T>C on the plus strand (A>G on the coding strand, the complement: ADAR is on the minus strand). VCF-style: chr1-154601329-T-C. GRCh37 (hg19) VCF-style: chr1-154573805-T-C.
Other names: c.1313A>G, p.Tyr438Cys (LRG_1212t1, NM_015840.4, NM_015841.4); c.428A>G, p.Tyr143Cys (NM_001025107.3, NM_001193495.2, NM_001365046.1 and 3 more transcripts); c.1340A>G, p.Tyr447Cys (NM_001365045.1); short protein forms Y143C, Y438C, Y447C.
Identifiers: ClinVar variation 649783 (VCV000649783.6), dbSNP rs1571107070, ClinGen allele CA342596884.

ClinVar aggregate classification (germline): Uncertain significance (1 of 4 stars; one submission).

Conditions:
Aicardi-Goutieres syndrome 6 (AGS6). Identifiers: Orphanet 51, MedGen C3539013, MONDO:0014007, OMIM 615010.
Symmetrical dyschromatosis of extremities (DSH). Also called: RETICULATE ACROPIGMENTATION OF DOHI; Dyschromatosis symmetrica hereditaria; SYMMETRIC DYSCHROMATOSIS OF THE EXTREMITIES; DYSCHROMATOSIS SYMMETRICA HEREDITARIA 1. Identifiers: Orphanet 41, MedGen C0406775, MONDO:0007483, OMIM 127400.

Submission:

Labcorp Genetics (formerly Invitae), Labcorp
Classification: Uncertain significance for Aicardi-Goutieres syndrome 6; Symmetrical dyschromatosis of extremities. Last evaluated: 2021-09-08. Review status: criteria provided, single submitter. Criteria: Invitae Variant Classification Sherloc (09022015). Collection method: clinical testing. Allele origin: germline.
Comment: This sequence change replaces tyrosine with cysteine at codon 438 of the ADAR protein (p.Tyr438Cys). The tyrosine residue is weakly conserved and there is a large physicochemical difference between tyrosine and cysteine. This variant is not present in population databases (ExAC no frequency). This variant has not been reported in the literature in individuals affected with ADAR-related conditions. Algorithms developed to predict the effect of missense changes on protein structure and function (SIFT, PolyPhen-2, Align-GVGD) all suggest that this variant is likely to be tolerated. In summary, the available evidence is currently insufficient to determine the role of this variant in disease. Therefore, it has been classified as a Variant of Uncertain Significance.